The following is an entry in ClinVar:

ClinVar aggregate classification (germline): Uncertain significance. Review status: criteria provided, multiple submitters, no conflicts (2 of 4 stars). 3 submissions from 3 submitters: Uncertain significance (3). Last evaluated 2025-05-01.

Conditions:
TTBK2-related disorder. Also called: TTBK2-related condition.
Inborn genetic diseases. Identifiers: MedGen C0950123, MeSH D030342.

Allele frequency attached by ClinVar (database versions not stated): gnomAD 0.00002; gnomAD exomes 0.00002; TOPMed 0.00003; 1000 Genomes Project 30x 0.00031.
gnomAD v4.1: 31 of 1,614,202 alleles (0.0019%); highest among the groups gnomAD compares: Non-Finnish European, 0.0025%; no homozygotes.

Submissions (3):

PreventionGenetics, part of Exact Sciences
Classification: Uncertain significance for TTBK2-related condition. Last evaluated: 2025-05-01. Review status: criteria provided, single submitter. Criteria: ACMG Guidelines, 2015. Collection method: clinical testing. Allele origin: germline.
Comment: The TTBK2 c.1318G>A variant is predicted to result in the amino acid substitution p.Val440Met. To our knowledge, this variant has not been reported in the literature. This variant is reported in 0.0018% of alleles in individuals of European (Non-Finnish) descent in gnomAD. At this time, the clinical significance of this variant is uncertain due to the absence of conclusive functional and genetic evidence.

Ambry Genetics
Classification: Uncertain significance for Inborn genetic diseases. Last evaluated: 2023-12-31. Review status: criteria provided, single submitter. Criteria: Ambry Variant Classification Scheme 2023. Collection method: clinical testing. Allele origin: germline.

Blueprint Genetics
Classification: Uncertain significance. Last evaluated: 2021-12-28. Review status: criteria provided, single submitter. Criteria: ACMG Guidelines, 2015. Collection method: clinical testing. Allele origin: germline.

NM_173500.4(TTBK2):c.1318G>A (p.Val440Met)

Gene: TTBK2 (tau tubulin kinase 2; minus strand). Cytogenetic location: 15q15.2.
Variant type: single nucleotide variant.
Coding change: c.1318G>A on transcript NM_173500.4 (MANE Select); coding-DNA position 1318, G replaced by A.
Protein change: p.Val440Met; replaces valine 440 with methionine.
Molecular consequence: missense variant.
Genome position (GRCh38, 1-based): chr15:42,777,122, C>T on the plus strand (G>A on the coding strand, the complement: TTBK2 is on the minus strand). VCF-style: chr15-42777122-C-T. GRCh37 (hg19) VCF-style: chr15-43069320-C-T.
Other names: short protein forms V440M.
Identifiers: ClinVar variation 3184042 (VCV003184042.3), dbSNP rs56311523, ClinGen allele CA269888878.